The following is an entry in ClinVar:

NM_000245.4(MET):c.4048G>A (p.Val1350Ile)

Gene: MET (MET proto-oncogene, receptor tyrosine kinase; plus strand). Cytogenetic location: 7q31.2.
Variant type: single nucleotide variant.
Coding change: c.4048G>A on transcript NM_000245.4 (MANE Select); coding-DNA position 4048, G replaced by A.
Protein change: p.Val1350Ile; replaces valine 1350 with isoleucine.
Molecular consequence: missense variant.
Genome position (GRCh38, 1-based): chr7:116,795,999, G>A. VCF-style: chr7-116795999-G-A. GRCh37 (hg19) VCF-style: chr7-116436053-G-A.
Other names: c.4102G>A, p.Val1368Ile (NM_001127500.3); c.2758G>A, p.Val920Ile (NM_001324402.2); short protein forms V1350I, V1368I, V920I.
Identifiers: ClinVar variation 3001624 (VCV003001624.3), dbSNP rs1197207766, ClinGen allele CA369118286.

ClinVar aggregate classification (germline): Uncertain significance (1 of 4 stars; one submission).

Conditions:
Renal cell carcinoma. Identifiers: Orphanet 217071, MedGen C0007134, MeSH D002292, MONDO:0005086, HP:0005584.

Submission:

Labcorp Genetics (formerly Invitae), Labcorp
Classification: Uncertain significance for Renal cell carcinoma. Last evaluated: 2023-02-01. Review status: criteria provided, single submitter. Criteria: Invitae Variant Classification Sherloc (09022015). Collection method: clinical testing. Allele origin: germline.
Comment: In summary, the available evidence is currently insufficient to determine the role of this variant in disease. Therefore, it has been classified as a Variant of Uncertain Significance. Advanced modeling of protein sequence and biophysical properties (such as structural, functional, and spatial information, amino acid conservation, physicochemical variation, residue mobility, and thermodynamic stability) performed at Invitae indicates that this missense variant is not expected to disrupt MET protein function. This variant has not been reported in the literature in individuals affected with MET-related conditions. This variant is not present in population databases (gnomAD no frequency). This sequence change replaces valine, which is neutral and non-polar, with isoleucine, which is neutral and non-polar, at codon 1368 of the MET protein (p.Val1368Ile).